The following is an entry in ClinVar:

ClinVar aggregate classification (germline): Uncertain significance (1 of 4 stars; one submission).

Allele frequency attached by ClinVar (database versions not stated): gnomAD exomes below 0.00001; gnomAD 0.00001; TOPMed 0.00001.
gnomAD v4.1: 5 of 1,613,898 alleles (0.00031%); highest among the groups gnomAD compares: Non-Finnish European, 0.00042%; no homozygotes.

Submission:

Labcorp Genetics (formerly Invitae), Labcorp
Classification: Uncertain significance. Last evaluated: 2023-06-08. Review status: criteria provided, single submitter. Criteria: Invitae Variant Classification Sherloc (09022015). Collection method: clinical testing. Allele origin: germline.
Comment: This sequence change replaces cysteine, which is neutral and slightly polar, with arginine, which is basic and polar, at codon 1816 of the RP1 protein (p.Cys1816Arg). This variant is not present in population databases (gnomAD no frequency). This missense change has been observed in individual(s) with inherited retinal dystrophy (PMID: 27160483). ClinVar contains an entry for this variant (Variation ID: 2136670). An algorithm developed to predict the effect of missense changes on protein structure and function (PolyPhen-2) suggests that this variant is likely to be disruptive. In summary, the available evidence is currently insufficient to determine the role of this variant in disease. Therefore, it has been classified as a Variant of Uncertain Significance.

Literature cited by the submitters: PubMed 27160483.

NM_006269.2(RP1):c.5446T>C (p.Cys1816Arg)

Genes: RP1 (RP1 axonemal microtubule associated; plus strand), LOC126860392 (CDK7 strongly-dependent group 2 enhancer GRCh37_chr8:55541319-55542518; plus strand). Cytogenetic location: 8q12.1.
Variant type: single nucleotide variant.
Coding change: c.5446T>C on transcript NM_006269.2 (MANE Select); coding-DNA position 5446, T replaced by C.
Protein change: p.Cys1816Arg; replaces cysteine 1816 with arginine.
Molecular consequence: missense variant. On other transcripts: intron variant (1).
Genome position (GRCh38, 1-based): chr8:54,629,328, T>C. VCF-style: chr8-54629328-T-C. GRCh37 (hg19) VCF-style: chr8-55541888-T-C.
Other names: c.787+7040T>C (NM_001375654.1); short protein forms C1816R.
Identifiers: ClinVar variation 2136670 (VCV002136670.4), dbSNP rs1025811929, ClinGen allele CA177183632.